The following is an entry in ClinVar:

NM_001048174.2(MUTYH):c.28A>G (p.Ser10Gly)

Gene: MUTYH (mutY DNA glycosylase; minus strand). Cytogenetic location: 1p34.1.
Variant type: single nucleotide variant.
Coding change: c.28A>G on transcript NM_001048174.2 (MANE Select); coding-DNA position 28, A replaced by G.
Protein change: p.Ser10Gly; replaces serine 10 with glycine.
Molecular consequence: missense variant. On other transcripts: 5 prime UTR variant (4), non-coding transcript variant (2).
Genome position (GRCh38, 1-based): chr1:45,334,478, T>C on the plus strand (A>G on the coding strand, the complement: MUTYH is on the minus strand). VCF-style: chr1-45334478-T-C. GRCh37 (hg19) VCF-style: chr1-45800150-T-C.
Other names: c.28A>G, p.Ser10Gly (NM_001048171.2, NM_001048172.2, NM_001048173.2 and 2 more transcripts); c.70A>G, p.Ser24Gly (NM_001128425.2, NM_001293190.2, NM_012222.3); c.-185A>G (NM_001293192.2, NM_001293196.2); c.-244A>G (NM_001350650.2); c.-180A>G (NM_001350651.2); short protein forms S24G, S10G.
Identifiers: ClinVar variation 41762 (VCV000041762.14), dbSNP rs386833408, ClinGen allele CA011818.
Genomic context (GRCh38, chr1:45,334,478, plus strand): 5'-TGTTGTTCTTAGCATGCTTCTGCCTCCCTTCCTGGCTGGCTGCCTGCTTCCTGTGACCAC[T>C]TCCCACGGCTGCTCGTGGCTTCCTCATGATGGCCTGAAACAAAAAGACCCAGCCAAAGCA-3'
Protein context (NP_001041639.1, residues 1-20): MRKPRAAVG[Ser10Gly]GHRKQAASQE

ClinVar aggregate classification (germline): Uncertain significance. Review status: criteria provided, multiple submitters, no conflicts (2 of 4 stars). 3 submissions from 3 submitters: Uncertain significance (2). 1 of the submissions does not count toward it. Last evaluated 2025-04-07.

Conditions:
Hereditary cancer-predisposing syndrome. Also called: Neoplastic Syndromes, Hereditary; Hereditary Cancer Syndrome; Hereditary neoplastic syndrome; Tumor predisposition. Identifiers: Orphanet 140162, MedGen C0027672, MeSH D009386, MONDO:0015356.
Familial adenomatous polyposis 2. Also called: FAP type 2; Adenomas, multiple colorectal; MUTYH-associated polyposis; COLORECTAL ADENOMATOUS POLYPOSIS, AUTOSOMAL RECESSIVE; MUTYH-related attenuated familial adenomatous polyposis; MUTYH Polyposis. Identifiers: Orphanet 220460, Orphanet 247798, MedGen C3272841, MONDO:0012041, OMIM 608456.

Allele frequency attached by ClinVar (database versions not stated): gnomAD exomes below 0.00001; ExAC 0.00001.
gnomAD v4.1: 4 of 1,614,124 alleles (0.00025%); highest among the groups gnomAD compares: East Asian, 0.0089%; no homozygotes.

Submissions (3):

Labcorp Genetics (formerly Invitae), Labcorp
Classification: Uncertain significance for Familial adenomatous polyposis 2. Last evaluated: 2025-04-07. Review status: criteria provided, single submitter. Criteria: Invitae Variant Classification Sherloc (09022015). Collection method: clinical testing. Allele origin: germline.
Comment: This sequence change replaces serine, which is neutral and polar, with glycine, which is neutral and non-polar, at codon 24 of the MUTYH protein (p.Ser24Gly). This variant is present in population databases (rs386833408, gnomAD 0.006%). This variant has not been reported in the literature in individuals affected with MUTYH-related conditions. ClinVar contains an entry for this variant (Variation ID: 41762). An algorithm developed to predict the effect of missense changes on protein structure and function outputs the following: PolyPhen-2: "Benign". The glycine amino acid residue is found in multiple mammalian species, which suggests that this missense change does not adversely affect protein function. In summary, the available evidence is currently insufficient to determine the role of this variant in disease. Therefore, it has been classified as a Variant of Uncertain Significance.

Color Diagnostics, LLC DBA Color Health
Classification: Uncertain significance for Hereditary cancer-predisposing syndrome. Last evaluated: 2019-10-30. Review status: criteria provided, single submitter. Criteria: ACMG Guidelines, 2015. Collection method: clinical testing. Allele origin: germline.
Comment: This missense variant replaces serine with glycine at codon 24 of the MUTYH protein. Computational prediction suggests that this variant may not impact protein structure and function (internally defined REVEL score threshold <= 0.5, PMID: 27666373). Splice site prediction tools suggest that this variant may not impact RNA splicing. To our knowledge, functional studies have not been performed for this variant. This variant has been reported in an individual as a secondary finding who was selected for atherosclerosis phenotypes, but not for personal or family histories of cancer (PMID: 22703879). This variant has been identified in 1/251484 chromosomes in the general population by the Genome Aggregation Database (gnomAD). The available evidence is insufficient to determine the role of this variant in disease conclusively. Therefore, this variant is classified as a Variant of Uncertain Significance.

Biesecker Lab/Clinical Genomics Section, National Institutes of Health
Classification: Uncertain significance. Last evaluated: 2012-07-13. Review status: no assertion criteria provided. Collection method: research. Allele origin: germline. Affected: no. Observed: 1 variant allele. Study: ClinSeq. Not counted in ClinVar's aggregate classification.
ClinVar note: Converted during submission from variant of unknown significance to Uncertain significance.